The following is an entry in ClinVar:

ClinVar aggregate classification (germline): Uncertain significance (1 of 4 stars; one submission).

Allele frequency attached by ClinVar (database versions not stated): ExAC 0.00001; gnomAD 0.00001; gnomAD exomes 0.00001; TOPMed 0.00001.
gnomAD v4.1: 8 of 1,613,302 alleles (0.0005%); highest among the groups gnomAD compares: Non-Finnish European, 0.00068%; no homozygotes.

Submission:

Labcorp Genetics (formerly Invitae), Labcorp
Classification: Uncertain significance. Last evaluated: 2022-10-13. Review status: criteria provided, single submitter. Criteria: Invitae Variant Classification Sherloc (09022015). Collection method: clinical testing. Allele origin: germline.
Comment: Algorithms developed to predict the effect of missense changes on protein structure and function are either unavailable or do not agree on the potential impact of this missense change (SIFT: "Deleterious"; PolyPhen-2: "Probably Damaging"; Align-GVGD: "Class C0"). This variant has not been reported in the literature in individuals affected with HMCN1-related conditions. This variant is present in population databases (rs747160879, gnomAD 0.002%). This sequence change replaces proline, which is neutral and non-polar, with threonine, which is neutral and polar, at codon 3384 of the HMCN1 protein (p.Pro3384Thr). In summary, the available evidence is currently insufficient to determine the role of this variant in disease. Therefore, it has been classified as a Variant of Uncertain Significance.

NM_031935.3(HMCN1):c.10150C>A (p.Pro3384Thr)

Gene: HMCN1 (hemicentin 1; plus strand). Cytogenetic location: 1q31.1.
Variant type: single nucleotide variant.
Coding change: c.10150C>A on transcript NM_031935.3 (MANE Select); coding-DNA position 10150, C replaced by A.
Protein change: p.Pro3384Thr; replaces proline 3384 with threonine.
Molecular consequence: missense variant.
Genome position (GRCh38, 1-based): chr1:186,093,623, C>A. VCF-style: chr1-186093623-C-A. GRCh37 (hg19) VCF-style: chr1-186062755-C-A.
Other names: short protein forms P3384T.
Identifiers: ClinVar variation 1927132 (VCV001927132.5), dbSNP rs747160879, ClinGen allele CA1293649.